The following is an entry in ClinVar:

ClinVar aggregate classification (germline): Likely pathogenic (1 of 4 stars; one submission).

Allele frequency attached by ClinVar (database versions not stated): gnomAD exomes below 0.00001.
gnomAD v4.1: 1 of 1,609,638 alleles (0.000062%); highest among the groups gnomAD compares: East Asian, 0.0022%; no homozygotes.

Submission:

Labcorp Genetics (formerly Invitae), Labcorp
Classification: Likely pathogenic. Last evaluated: 2018-05-17. Review status: criteria provided, single submitter. Criteria: Invitae Variant Classification Sherloc (09022015). Collection method: clinical testing. Allele origin: germline.
Comment: This sequence change affects a donor splice site in intron 37 of the C5orf42 gene. It is expected to disrupt RNA splicing and likely results in an absent or disrupted protein product. This variant is not present in population databases (ExAC no frequency). In summary, the currently available evidence indicates that the variant is pathogenic, but additional data are needed to prove that conclusively. Therefore, this variant has been classified as Likely Pathogenic. This variant has not been reported in the literature in individuals with C5orf42-related disease. Algorithms developed to predict the effect of sequence changes on RNA splicing suggest that this variant may disrupt the consensus splice site, but this prediction has not been confirmed by published transcriptional studies. Donor and acceptor splice site variants typically lead to a loss of protein function (PMID: 16199547), and loss-of-function variants in C5orf42 are known to be pathogenic (PMID: 22425360).

Literature cited by the submitters: PubMed 16199547; PubMed 22425360.

NM_001384732.1(CPLANE1):c.7588+1G>A

Gene: CPLANE1 (ciliogenesis and planar polarity effector complex subunit 1; minus strand). Cytogenetic location: 5p13.2.
Variant type: single nucleotide variant.
Coding change: c.7588+1G>A on transcript NM_001384732.1 (MANE Select); the canonical splice donor site of the intron after coding-DNA position 7588, G replaced by A.
Molecular consequence: splice donor variant.
Genome position (GRCh38, 1-based): chr5:37,164,272, C>T on the plus strand (G>A on the coding strand, the complement: CPLANE1 is on the minus strand). VCF-style: chr5-37164272-C-T. GRCh37 (hg19) VCF-style: chr5-37164374-C-T.
Other names: c.7588+1G>A (NM_023073.4).
Identifiers: ClinVar variation 566116 (VCV000566116.7), dbSNP rs1561458987, ClinGen allele CA359476037.